The following is an entry in ClinVar:

ClinVar aggregate classification (germline): Uncertain significance (1 of 4 stars; one submission).

gnomAD v4.1: 105 of 1,612,608 alleles (0.0065%); highest among the groups gnomAD compares: Non-Finnish European, 0.0087%; no homozygotes.

Submission:

Labcorp Genetics (formerly Invitae), Labcorp
Classification: Uncertain significance. Last evaluated: 2023-07-23. Review status: criteria provided, single submitter. Criteria: Invitae Variant Classification Sherloc (09022015). Collection method: clinical testing. Allele origin: germline.
Comment: This sequence change affects codon 21 of the FAM111A mRNA. It is a 'silent' change, meaning that it does not change the encoded amino acid sequence of the FAM111A protein. This variant is present in population databases (rs147786828, gnomAD 0.005%). This variant has not been reported in the literature in individuals affected with FAM111A-related conditions. Algorithms developed to predict the effect of sequence changes on RNA splicing suggest that this variant may disrupt the consensus splice site. In summary, the available evidence is currently insufficient to determine the role of this variant in disease. Therefore, it has been classified as a Variant of Uncertain Significance.

NM_001312909.2(FAM111A):c.63C>A (p.Ile21=)

Gene: FAM111A (FAM111 trypsin like peptidase A; plus strand). Cytogenetic location: 11q12.1.
Variant type: single nucleotide variant.
Coding change: c.63C>A on transcript NM_001312909.2 (MANE Select); coding-DNA position 63, C replaced by A.
Protein change: p.Ile21=; no amino-acid change (isoleucine 21 retained).
Molecular consequence: synonymous variant.
Genome position (GRCh38, 1-based): chr11:59,148,935, C>A. VCF-style: chr11-59148935-C-A. GRCh37 (hg19) VCF-style: chr11-58916408-C-A.
Other names: c.63C>A, p.Ile21= (NM_001142519.3, NM_001142520.3, NM_001142521.3 and 29 more transcripts).
Identifiers: ClinVar variation 3021309 (VCV003021309.3), dbSNP rs147786828, ClinGen allele CA6016478.
Genomic context (GRCh38, chr11:59,148,935, plus strand): 5'-GAGCTGTAAGAAGCAGAGGTCACGGAAGCACTCAGTCAATGAAAAATGTAATATGAAAAT[C>A]GAGCACTATTTTTCTCCGGTATGTCTGTAAATTCTACTTATGTAATCTAGTCATCCCTTG-3'
Protein context (NP_001299838.1, residues 11-31): HSVNEKCNMK[Ile21=]EHYFSPVSKE